The following is an entry in ClinVar:

ClinVar aggregate classification (germline): Uncertain significance (1 of 4 stars; one submission).

Submission:

Labcorp Genetics (formerly Invitae), Labcorp
Classification: Uncertain significance. Last evaluated: 2022-08-16. Review status: criteria provided, single submitter. Criteria: Invitae Variant Classification Sherloc (09022015). Collection method: clinical testing. Allele origin: germline.
Comment: This variant has not been reported in the literature in individuals affected with PLXNA2-related conditions. Algorithms developed to predict the effect of missense changes on protein structure and function are either unavailable or do not agree on the potential impact of this missense change (SIFT: "Deleterious"; PolyPhen-2: "Benign"; Align-GVGD: "Class C0"). In summary, the available evidence is currently insufficient to determine the role of this variant in disease. Therefore, it has been classified as a Variant of Uncertain Significance. This variant is not present in population databases (gnomAD no frequency). This sequence change replaces proline, which is neutral and non-polar, with alanine, which is neutral and non-polar, at codon 418 of the PLXNA2 protein (p.Pro418Ala).

NM_025179.4(PLXNA2):c.1252C>G (p.Pro418Ala)

Gene: PLXNA2 (plexin A2; minus strand). Cytogenetic location: 1q32.2.
Variant type: single nucleotide variant.
Coding change: c.1252C>G on transcript NM_025179.4 (MANE Select); coding-DNA position 1252, C replaced by G.
Protein change: p.Pro418Ala; replaces proline 418 with alanine.
Molecular consequence: missense variant.
Genome position (GRCh38, 1-based): chr1:208,210,399, G>C on the plus strand (C>G on the coding strand, the complement: PLXNA2 is on the minus strand). VCF-style: chr1-208210399-G-C. GRCh37 (hg19) VCF-style: chr1-208383744-G-C.
Other names: short protein forms P418A.
Identifiers: ClinVar variation 1998240 (VCV001998240.4), dbSNP rs2527171384, ClinGen allele CA344555567.